The following is an entry in ClinVar:

ClinVar aggregate classification (germline): Benign (0 of 4 stars; one submission).

Conditions:
ZPBP-related disorder. Also called: ZPBP-related condition.

Allele frequency attached by ClinVar (database versions not stated): 1000 Genomes Project 30x 0.78061; 1000 Genomes Project 0.78335; ExAC 0.78568; TOPMed 0.78578; gnomAD exomes 0.79741; gnomAD 0.79792; ESP Exome Variant Server 0.80207.
gnomAD v4.1: 1,236,563 of 1,551,362 alleles (80%); highest among the groups gnomAD compares: East Asian, 89%; 494,480 homozygotes.

Submission:

PreventionGenetics, part of Exact Sciences
Classification: Benign for ZPBP-related condition. Last evaluated: 2019-10-17. Review status: no assertion criteria provided. Collection method: clinical testing. Allele origin: germline.
Comment: This variant is classified as benign based on ACMG/AMP sequence variant interpretation guidelines (Richards et al. 2015 PMID: 25741868, with internal and published modifications).

NM_007009.3(ZPBP):c.784-7G>A

Gene: ZPBP (zona pellucida binding protein; minus strand). Cytogenetic location: 7p12.2.
Variant type: single nucleotide variant.
Coding change: c.784-7G>A on transcript NM_007009.3 (MANE Select); 7 bases into the intron before coding-DNA position 784, G replaced by A.
Molecular consequence: intron variant.
Genome position (GRCh38, 1-based): chr7:49,983,526, C>T on the plus strand (G>A on the coding strand, the complement: ZPBP is on the minus strand). VCF-style: chr7-49983526-C-T. GRCh37 (hg19) VCF-style: chr7-50023122-C-T.
Other names: c.781-7G>A (NM_001159878.2).
Identifiers: ClinVar variation 3059140 (VCV003059140.2), dbSNP rs988392, ClinGen allele CA4260724.